The following is an entry in ClinVar:

NM_030665.4(RAI1):c.366G>C (p.Gly122=)

Gene: RAI1 (retinoic acid induced 1; plus strand). Cytogenetic location: 17p11.2.
Variant type: single nucleotide variant.
Coding change: c.366G>C on transcript NM_030665.4 (MANE Select); coding-DNA position 366, G replaced by C.
Protein change: p.Gly122=; no amino-acid change (glycine 122 retained).
Molecular consequence: synonymous variant.
Genome position (GRCh38, 1-based): chr17:17,793,314, G>C. VCF-style: chr17-17793314-G-C. GRCh37 (hg19) VCF-style: chr17-17696628-G-C.
Identifiers: ClinVar variation 3354882 (VCV003354882.1).
Genomic context (GRCh38, chr17:17,793,314, plus strand): 5'-CCAGGACAGCAGCCCCTACCCAGGCCGCTATGCTGGTGAGGAGAGCCTTCAGGCTTGGGG[G>C]GCCCCACAGCCACCACCCCCACAGCCGCAGCCACTACCTGCAGGGGTGGCCAAGTATGAT-3'
Protein context (NP_109590.3, residues 112-132): YAGEESLQAW[Gly122=]APQPPPPQPQ

ClinVar aggregate classification (germline): Likely benign (0 of 4 stars; one submission).

Conditions:
RAI1-related disorder. Also called: RAI1-related condition.

Submission:

PreventionGenetics, part of Exact Sciences
Classification: Likely benign for RAI1-related condition. Last evaluated: 2021-09-08. Review status: no assertion criteria provided. Collection method: clinical testing. Allele origin: germline.
Comment: This variant is classified as likely benign based on ACMG/AMP sequence variant interpretation guidelines (Richards et al. 2015 PMID: 25741868, with internal and published modifications).